The following is an entry in ClinVar:

ClinVar aggregate classification (germline): Uncertain significance. Review status: criteria provided, multiple submitters, no conflicts (2 of 4 stars). 4 submissions from 4 submitters: Uncertain significance (4). Last evaluated 2025-12-17.

Conditions:
Inborn genetic diseases. Identifiers: MedGen C0950123, MeSH D030342.
RP1-related disorder. Also called: RP1-related condition.

Allele frequency attached by ClinVar (database versions not stated): ExAC 0.00002; gnomAD exomes 0.00002.
gnomAD v4.1: 9 of 1,613,286 alleles (0.00056%); highest among the groups gnomAD compares: Non-Finnish European, 0.00068%; 1 homozygote.

Submissions (4):

Labcorp Genetics (formerly Invitae), Labcorp
Classification: Uncertain significance. Last evaluated: 2025-12-17. Review status: criteria provided, single submitter. Criteria: Invitae Variant Classification Sherloc (09022015). Collection method: clinical testing. Allele origin: germline.
Comment: This sequence change replaces glutamic acid, which is acidic and polar, with alanine, which is neutral and non-polar, at codon 905 of the RP1 protein (p.Glu905Ala). This variant is present in population databases (rs750374154, gnomAD 0.004%), including at least one homozygous and/or hemizygous individual. This variant has not been reported in the literature in individuals affected with RP1-related conditions. ClinVar contains an entry for this variant (Variation ID: 862695). An algorithm developed to predict the effect of missense changes on protein structure and function (PolyPhen-2) suggests that this variant is likely to be tolerated. In summary, the available evidence is currently insufficient to determine the role of this variant in disease. Therefore, it has been classified as a Variant of Uncertain Significance.

PreventionGenetics, part of Exact Sciences
Classification: Uncertain significance for RP1-related condition. Last evaluated: 2025-08-12. Review status: criteria provided, single submitter. Criteria: ACMG Guidelines, 2015. Collection method: clinical testing. Allele origin: germline.
Comment: The RP1 c.2714A>C variant is predicted to result in the amino acid substitution p.Glu905Ala. To our knowledge, this variant has not been reported in the literature. This variant is reported in 0.0027% of alleles in individuals of European (Non-Finnish) descent in gnomAD. At this time, the clinical significance of this variant is uncertain due to the absence of conclusive functional and genetic evidence.

Ambry Genetics
Classification: Uncertain significance for Inborn genetic diseases. Last evaluated: 2024-04-30. Review status: criteria provided, single submitter. Criteria: Ambry Variant Classification Scheme 2023. Collection method: clinical testing. Allele origin: germline.

CeGaT Center for Human Genetics Tuebingen
Classification: Uncertain significance. Last evaluated: 2022-11-01. Review status: criteria provided, single submitter. Criteria: CeGaT Center For Human Genetics Tuebingen Variant Classification Criteria Version 2. Collection method: clinical testing. Allele origin: germline. Affected: yes. Observed: 1 variant allele.
Comment: RP1: PM2, BP1, BP4

NM_006269.2(RP1):c.2714A>C (p.Glu905Ala)

Gene: RP1 (RP1 axonemal microtubule associated; plus strand). Cytogenetic location: 8q12.1.
Variant type: single nucleotide variant.
Coding change: c.2714A>C on transcript NM_006269.2 (MANE Select); coding-DNA position 2714, A replaced by C.
Protein change: p.Glu905Ala; replaces glutamic acid 905 with alanine.
Molecular consequence: missense variant. On other transcripts: intron variant (1).
Genome position (GRCh38, 1-based): chr8:54,626,596, A>C. VCF-style: chr8-54626596-A-C. GRCh37 (hg19) VCF-style: chr8-55539156-A-C.
Other names: c.787+4308A>C (NM_001375654.1); short protein forms E905A.
Identifiers: ClinVar variation 862695 (VCV000862695.38), dbSNP rs750374154, ClinGen allele CA4751572.